The following is an entry in ClinVar:

NM_000475.5(NR0B1):c.1354A>G (p.Ile452Val)

Gene: NR0B1 (nuclear receptor subfamily 0 group B member 1; minus strand). Cytogenetic location: Xp21.2.
Variant type: single nucleotide variant.
Coding change: c.1354A>G on transcript NM_000475.5 (MANE Select); coding-DNA position 1354, A replaced by G.
Protein change: p.Ile452Val; replaces isoleucine 452 with valine.
Molecular consequence: missense variant.
Genome position (GRCh38, 1-based): chrX:30,304,638, T>C on the plus strand (A>G on the coding strand, the complement: NR0B1 is on the minus strand). VCF-style: chrX-30304638-T-C. GRCh37 (hg19) VCF-style: chrX-30322755-T-C.
Other names: short protein forms I452V.
Identifiers: ClinVar variation 2935250 (VCV002935250.4), dbSNP rs1569267996, ClinGen allele CA412544396.

ClinVar aggregate classification (germline): Uncertain significance. Review status: criteria provided, multiple submitters, no conflicts (2 of 4 stars). 2 submissions from 2 submitters: Uncertain significance (2). Last evaluated 2024-11-07.

Conditions:
Congenital adrenal hypoplasia, X-linked (AHC). Also called: Isolated X-Linked Adrenal Hypoplasia Congenita; X-linked AHC; X-Linked Adrenal Hypoplasia Congenita; ADRENAL HYPOPLASIA, CONGENITAL, WITH HYPOGONADOTROPIC HYPOGONADISM. Identifiers: Orphanet 95702, MedGen C0342482, MONDO:0010264, OMIM 300200. Disease mechanism: loss of function.
46,XY sex reversal 2. Also called: NR0B1-Related 46,XY CGD; NR0B1-related 46,XY complete gonadal dysgenesis; Dosage-sensitive sex reversal; 46,XY SEX REVERSAL, DAX1-RELATED; 46XY sex reversal 2, dosage-sensitive. Identifiers: MedGen C1848296, MONDO:0010226, OMIM 300018.

Allele frequency attached by ClinVar (database versions not stated): gnomAD exomes below 0.00001.

Submissions (2):

3billion
Classification: Uncertain significance for Congenital adrenal hypoplasia, X-linked. Last evaluated: 2024-11-07. Review status: criteria provided, single submitter. Criteria: ACMG Guidelines, 2015. Collection method: clinical testing. Allele origin: germline. Affected: yes.
Comment: The variant is observed at an extremely low frequency in the gnomAD v4.1.0 dataset (total allele frequency: <0.001%). Predicted Consequence/Location: Missense variant. The majority of the known disease-causing variants of this gene are variants expected to result in premature termination of the protein. In silico tool predictions suggest damaging effect of the variant on gene or gene product [REVEL: 0.33 (>=0.6, sensitivity 0.68 and specificity 0.92); 3Cnet: 0.94 (>=0.6, sensitivity 0.72 and precision 0.9)]. The variant has been reported as of uncertain significance (ClinVar ID: VCV002935250). Different missense changes at the same codon have been reported as of uncertain significance (ClinVar ID: VCV000591253). Therefore, this variant is classified as VUS according to the recommendation of ACMG/AMP guideline.

Labcorp Genetics (formerly Invitae), Labcorp
Classification: Uncertain significance for Congenital adrenal hypoplasia, X-linked; 46,XY sex reversal 2. Last evaluated: 2024-01-07. Review status: criteria provided, single submitter. Criteria: Invitae Variant Classification Sherloc (09022015). Collection method: clinical testing. Allele origin: germline.
Comment: This sequence change replaces isoleucine, which is neutral and non-polar, with valine, which is neutral and non-polar, at codon 452 of the NR0B1 protein (p.Ile452Val). This variant is not present in population databases (gnomAD no frequency). This variant has not been reported in the literature in individuals affected with NR0B1-related conditions. Algorithms developed to predict the effect of missense changes on protein structure and function output the following: SIFT: "Not Available"; PolyPhen-2: "Benign"; Align-GVGD: "Not Available". The valine amino acid residue is found in multiple mammalian species, which suggests that this missense change does not adversely affect protein function. In summary, the available evidence is currently insufficient to determine the role of this variant in disease. Therefore, it has been classified as a Variant of Uncertain Significance.